The following is an entry in ClinVar:

NM_000059.4(BRCA2):c.9193T>G (p.Phe3065Val)

Gene: BRCA2 (BRCA2 DNA repair associated; plus strand). Cytogenetic location: 13q13.1.
Variant type: single nucleotide variant.
Coding change: c.9193T>G on transcript NM_000059.4 (MANE Select); coding-DNA position 9193, T replaced by G.
Protein change: p.Phe3065Val; replaces phenylalanine 3065 with valine.
Molecular consequence: missense variant.
Genome position (GRCh38, 1-based): chr13:32,380,082, T>G. VCF-style: chr13-32380082-T-G. GRCh37 (hg19) VCF-style: chr13-32954219-T-G.
Other names: short protein forms F3065V.
Identifiers: ClinVar variation 479341 (VCV000479341.8), dbSNP rs1555288546, ClinGen allele CA387758213.
Genomic context (GRCh38, chr13:32,380,082, plus strand): 5'-TTATTTCAGATTTACCAGCCACGGGAGCCCCTTCACTTCAGCAAATTTTTAGATCCAGAC[T>G]TTCAGCCATCTTGTTCTGAGGTGGACCTAATAGGATTTGTCGTTTCTGTTGTGAAAAAAA-3'
Protein context (NP_000050.3, residues 3055-3075): LHFSKFLDPD[Phe3065Val]QPSCSEVDLI

ClinVar aggregate classification (germline): Conflicting classifications of pathogenicity. Review status: criteria provided, conflicting classifications (1 of 4 stars). 2 submissions from 2 submitters: Uncertain significance (1); Likely benign (1). Last evaluated 2025-12-02.

Conditions:
Hereditary breast ovarian cancer syndrome. Also called: Hereditary breast and ovarian cancer syndrome (HBOC); Hereditary breast and ovarian cancer syndrome; Breast and ovarian cancer; BRCA1- and BRCA2-Associated Hereditary Breast and Ovarian Cancer; Hereditary breast and ovarian cancer; Hereditary breast and/or ovarian cancer syndrome. Identifiers: Orphanet 145, MedGen C0677776, MeSH D061325, MONDO:0003582. Disease mechanism: loss of function.
Hereditary cancer-predisposing syndrome. Also called: Neoplastic Syndromes, Hereditary; Hereditary Cancer Syndrome; Hereditary neoplastic syndrome; Tumor predisposition. Identifiers: Orphanet 140162, MedGen C0027672, MeSH D009386, MONDO:0015356.

Submissions (2):

Labcorp Genetics (formerly Invitae), Labcorp
Classification: Uncertain significance for Hereditary breast ovarian cancer syndrome. Last evaluated: 2025-12-02. Review status: criteria provided, single submitter. Criteria: Invitae Variant Classification Sherloc (09022015). Collection method: clinical testing. Allele origin: germline.
Comment: This sequence change replaces phenylalanine, which is neutral and non-polar, with valine, which is neutral and non-polar, at codon 3065 of the BRCA2 protein (p.Phe3065Val). This variant is not present in population databases (gnomAD no frequency). This variant has not been reported in the literature in individuals affected with BRCA2-related conditions. ClinVar contains an entry for this variant (Variation ID: 479341). Invitae Evidence Modeling of protein sequence and biophysical properties (such as structural, functional, and spatial information, amino acid conservation, physicochemical variation, residue mobility, and thermodynamic stability) indicates that this missense variant is not expected to disrupt BRCA2 protein function with a negative predictive value of 95%. In summary, the available evidence is currently insufficient to determine the role of this variant in disease. Therefore, it has been classified as a Variant of Uncertain Significance.

Ambry Genetics
Classification: Likely benign for Hereditary cancer-predisposing syndrome. Last evaluated: 2022-01-11. Review status: criteria provided, single submitter. Criteria: Ambry Variant Classification Scheme 2023. Collection method: clinical testing. Allele origin: germline.